The following is an entry in ClinVar:

NM_000384.3(APOB):c.11519T>C (p.Leu3840Pro)

Gene: APOB (apolipoprotein B; minus strand). Cytogenetic location: 2p24.1.
Variant type: single nucleotide variant.
Coding change: c.11519T>C on transcript NM_000384.3 (MANE Select); coding-DNA position 11519, T replaced by C.
Protein change: p.Leu3840Pro; replaces leucine 3840 with proline.
Molecular consequence: missense variant.
Genome position (GRCh38, 1-based): chr2:21,005,349, A>G on the plus strand (T>C on the coding strand, the complement: APOB is on the minus strand). VCF-style: chr2-21005349-A-G. GRCh37 (hg19) VCF-style: chr2-21228221-A-G.
Other names: short protein forms L3840P.
Identifiers: ClinVar variation 4888181 (VCV004888181.1).

ClinVar aggregate classification (germline): Uncertain significance (1 of 4 stars; one submission).

gnomAD v4.1: 1 of 1,614,152 alleles (0.000062%); highest among the groups gnomAD compares: Non-Finnish European, 0.000085%; no homozygotes.

Submission:

GeneDx
Classification: Uncertain significance. Last evaluated: 2026-01-29. Review status: criteria provided, single submitter. Criteria: GeneDx Variant Classification Process June 2021. Collection method: clinical testing. Allele origin: germline.
Comment: Not observed at significant frequency in large population cohorts (gnomAD); In silico analysis supports that this missense variant has a deleterious effect on protein structure/function; Has not been previously published as pathogenic or benign to our knowledge; Also known as p.(L3813P)